The following is an entry in ClinVar:

ClinVar aggregate classification (germline): Pathogenic (1 of 4 stars; one submission).

Allele frequency attached by ClinVar (database versions not stated): TOPMed below 0.00001; gnomAD 0.00003.
gnomAD v4.1: 6 of 1,613,984 alleles (0.00037%); highest among the groups gnomAD compares: African/African-American, 0.0053%; no homozygotes.

Submission:

Labcorp Genetics (formerly Invitae), Labcorp
Classification: Pathogenic. Last evaluated: 2023-12-05. Review status: criteria provided, single submitter. Criteria: Invitae Variant Classification Sherloc (09022015). Collection method: clinical testing. Allele origin: germline.
Comment: This sequence change creates a premature translational stop signal (p.Gln126*) in the GORAB gene. It is expected to result in an absent or disrupted protein product. Loss-of-function variants in GORAB are known to be pathogenic (PMID: 18997784, 19681135). This variant is present in population databases (no rsID available, gnomAD 0.02%). This variant has not been reported in the literature in individuals affected with GORAB-related conditions. For these reasons, this variant has been classified as Pathogenic.

Literature cited by the submitters: PubMed 18997784; PubMed 19681135.

NM_152281.3(GORAB):c.301C>T (p.Gln101Ter)

Gene: GORAB (golgin, RAB6 interacting; plus strand). Cytogenetic location: 1q24.2.
Variant type: single nucleotide variant.
Coding change: c.301C>T on transcript NM_152281.3 (MANE Select); coding-DNA position 301, C replaced by T.
Protein change: p.Gln101Ter; replaces glutamine 101 with a stop codon.
Molecular consequence: nonsense. On other transcripts: 5 prime UTR variant (1), non-coding transcript variant (1).
Genome position (GRCh38, 1-based): chr1:170,539,449, C>T. VCF-style: chr1-170539449-C-T. GRCh37 (hg19) VCF-style: chr1-170508590-C-T.
Other names: c.301C>T, p.Gln101Ter (NM_001146039.2); c.-165C>T (NM_001320252.2); c.250C>T, p.Gln84Ter (NM_001410894.1); short protein forms Q84*, Q101*.
Identifiers: ClinVar variation 2722014 (VCV002722014.3), dbSNP rs1296485321, ClinGen allele CA343162612.